The following is an entry in ClinVar:

NM_004525.3(LRP2):c.2620G>A (p.Gly874Ser)

Gene: LRP2 (LDL receptor related protein 2; minus strand). Cytogenetic location: 2q31.1.
Variant type: single nucleotide variant.
Coding change: c.2620G>A on transcript NM_004525.3 (MANE Select); coding-DNA position 2620, G replaced by A.
Protein change: p.Gly874Ser; replaces glycine 874 with serine.
Molecular consequence: missense variant.
Genome position (GRCh38, 1-based): chr2:169,257,143, C>T on the plus strand (G>A on the coding strand, the complement: LRP2 is on the minus strand). VCF-style: chr2-169257143-C-T. GRCh37 (hg19) VCF-style: chr2-170113653-C-T.
Other names: c.2620G>A (NM_004525.2); short protein forms G874S.
Identifiers: ClinVar variation 1430132 (VCV001430132.7), dbSNP rs781457986, ClinGen allele CA1955256.

ClinVar aggregate classification (germline): Uncertain significance. Review status: criteria provided, multiple submitters, no conflicts (2 of 4 stars). 2 submissions from 2 submitters: Uncertain significance (2). Last evaluated 2024-09-24.

Conditions:
Inborn genetic diseases. Identifiers: MedGen C0950123, MeSH D030342.

Allele frequency attached by ClinVar (database versions not stated): gnomAD exomes below 0.00001 and 0.00001; ExAC 0.00001.
gnomAD v4.1: 2 of 1,612,832 alleles (0.00012%); highest among the groups gnomAD compares: Admixed American, 0.0033%; no homozygotes.

Submissions (2):

Ambry Genetics
Classification: Uncertain significance for Inborn genetic diseases. Last evaluated: 2024-09-24. Review status: criteria provided, single submitter. Criteria: Ambry Variant Classification Scheme 2023. Collection method: clinical testing. Allele origin: germline.

Labcorp Genetics (formerly Invitae), Labcorp
Classification: Uncertain significance. Last evaluated: 2021-10-02. Review status: criteria provided, single submitter. Criteria: Invitae Variant Classification Sherloc (09022015). Collection method: clinical testing. Allele origin: germline.
Comment: In summary, the available evidence is currently insufficient to determine the role of this variant in disease. Therefore, it has been classified as a Variant of Uncertain Significance. Algorithms developed to predict the effect of sequence changes on RNA splicing suggest that this variant may create or strengthen a splice site. Advanced modeling of protein sequence and biophysical properties (such as structural, functional, and spatial information, amino acid conservation, physicochemical variation, residue mobility, and thermodynamic stability) performed at Invitae indicates that this missense variant is expected to disrupt LRP2 protein function. This variant has not been reported in the literature in individuals affected with LRP2-related conditions. This variant is present in population databases (rs781457986, ExAC 0.009%). This sequence change replaces glycine with serine at codon 874 of the LRP2 protein (p.Gly874Ser). The glycine residue is highly conserved and there is a small physicochemical difference between glycine and serine.